The following is an entry in ClinVar:

ClinVar aggregate classification (germline): Uncertain significance (1 of 4 stars; one submission).

Conditions:
Autosomal recessive osteopetrosis 4. Also called: infantile malignant CLCN7-related recessive osteopetrosis; CLCN7-Related Osteopetrosis. Identifiers: Orphanet 667, MedGen C1969106, MONDO:0012676, OMIM 611490.

Submission:

Neuberg Centre For Genomic Medicine, NCGM
Classification: Uncertain significance for Autosomal recessive osteopetrosis 4. Review status: criteria provided, single submitter. Criteria: ACMG Guidelines, 2015. Collection method: clinical testing. Allele origin: germline. Inheritance: Autosomal recessive inheritance. Affected: yes.
Comment: The missense variant c.629A>Gp.Lys210Arg in CLCN7 gene has not been reported previously as a pathogenic variant nor as a benign variant, to our knowledge. The variant is novel not in any individuals in gnomAD Exomes and 1000 Genomes. The amino acid Lysine at position 210 is changed to a Arginine changing protein sequence and it might alter its composition and physico-chemical properties. The variant is predicted to be damaging by SIFT. The amino acid change p.Lys210Arg in CLCN7 is predicted as conserved by GERP++ and PhyloP across 100 vertebrates.For these reasons, this variant has been classified as Uncertain Significance.

NM_001287.6(CLCN7):c.629A>G (p.Lys210Arg)

Gene: CLCN7 (Cl-/H+ antiporter 7; minus strand). Cytogenetic location: 16p13.3.
Variant type: single nucleotide variant.
Coding change: c.629A>G on transcript NM_001287.6 (MANE Select); coding-DNA position 629, A replaced by G.
Protein change: p.Lys210Arg; replaces lysine 210 with arginine.
Molecular consequence: missense variant.
Genome position (GRCh38, 1-based): chr16:1,459,153, T>C on the plus strand (A>G on the coding strand, the complement: CLCN7 is on the minus strand). VCF-style: chr16-1459153-T-C. GRCh37 (hg19) VCF-style: chr16-1509154-T-C.
Other names: c.557A>G, p.Lys186Arg (NM_001114331.3); short protein forms K186R, K210R.
Identifiers: ClinVar variation 3234962 (VCV003234962.1), dbSNP rs2505840341, ClinGen allele CA394191954.